The following is an entry in ClinVar:

ClinVar aggregate classification (germline): Benign/Likely benign. Review status: criteria provided, multiple submitters, no conflicts (2 of 4 stars). 5 submissions from 5 submitters: Benign (1); Likely benign (3). 1 of the submissions does not count toward it. Last evaluated 2025-05-22.

Conditions:
ATM-related disorder. Also called: ATM-related disorders; ATM-related condition.
Hereditary cancer-predisposing syndrome. Also called: Tumor predisposition; Hereditary Cancer Syndrome; Neoplastic Syndromes, Hereditary; Hereditary neoplastic syndrome. Identifiers: Orphanet 140162, MedGen C0027672, MeSH D009386, MONDO:0015356.
Familial cancer of breast. Also called: Hereditary breast cancer; hereditary breast carcinoma; BREAST CANCER, FAMILIAL. Identifiers: Orphanet 227535, MedGen C0346153, MONDO:0016419, OMIM 114480. Disease mechanism: loss of function.
Ataxia-telangiectasia syndrome (AT). Also called: Cerebello-oculocutaneous telangiectasia; Immunodeficiency with ataxia telangiectasia; Ataxia-telangiectasia, complementation group D; AT, COMPLEMENTATION GROUP C; Ataxia-telangiectasia, complementation group E; LOUIS-BAR SYNDROME. Identifiers: Orphanet 100, MedGen C0004135, MONDO:0008840, OMIM 208900.

Allele frequency attached by ClinVar (database versions not stated): gnomAD exomes below 0.00001 and 0.00001; ExAC 0.00001; TOPMed 0.00001.
gnomAD v4.1: 2 of 1,611,564 alleles (0.00012%); highest among the groups gnomAD compares: East Asian, 0.0045%; no homozygotes.

Submissions (5):

Labcorp Genetics (formerly Invitae), Labcorp
Classification: Likely benign for Ataxia-telangiectasia syndrome. Last evaluated: 2025-05-22. Review status: criteria provided, single submitter. Criteria: Invitae Variant Classification Sherloc (09022015). Collection method: clinical testing. Allele origin: germline.

Myriad Genetics, Inc.
Classification: Benign for Familial cancer of breast. Last evaluated: 2024-05-07. Review status: criteria provided, single submitter. Criteria: Myriad Autosomal Dominant, Autosomal Recessive and X-Linked Classification Criteria (2023). Collection method: clinical testing. Allele origin: unknown.
Comment: This variant is considered benign. This variant is a silent/synonymous amino acid change and it is not expected to impact splicing.

Color Diagnostics, LLC DBA Color Health
Classification: Likely benign for Hereditary cancer-predisposing syndrome. Last evaluated: 2019-01-22. Review status: criteria provided, single submitter. Criteria: ACMG Guidelines, 2015. Collection method: clinical testing. Allele origin: germline.

Ambry Genetics
Classification: Likely benign for Hereditary cancer-predisposing syndrome. Last evaluated: 2018-03-27. Review status: criteria provided, single submitter. Criteria: Ambry Variant Classification Scheme 2023. Collection method: clinical testing. Allele origin: germline.

PreventionGenetics, part of Exact Sciences
Classification: Likely benign for ATM-related condition. Last evaluated: 2024-06-18. Review status: no assertion criteria provided. Collection method: clinical testing. Allele origin: germline. Not counted in ClinVar's aggregate classification.
Comment: This variant is classified as likely benign based on ACMG/AMP sequence variant interpretation guidelines (Richards et al. 2015 PMID: 25741868, with internal and published modifications).

NM_000051.4(ATM):c.2208T>C (p.Ala736=)

Gene: ATM (ATM serine/threonine kinase; plus strand). Cytogenetic location: 11q22.3.
Variant type: single nucleotide variant.
Coding change: c.2208T>C on transcript NM_000051.4 (MANE Select); coding-DNA position 2208, T replaced by C.
Protein change: p.Ala736=; no amino-acid change (alanine 736 retained).
Molecular consequence: synonymous variant.
Genome position (GRCh38, 1-based): chr11:108,256,298, T>C. VCF-style: chr11-108256298-T-C. GRCh37 (hg19) VCF-style: chr11-108127025-T-C.
Other names: c.2208T>C, p.Ala736= (NM_001351834.2).
Identifiers: ClinVar variation 453408 (VCV000453408.18), dbSNP rs761874856, ClinGen allele CA6264964.